The following is an entry in ClinVar:

NM_006904.7(PRKDC):c.4269A>G (p.Ile1423Met)

Gene: PRKDC (protein kinase, DNA-activated, catalytic subunit; minus strand). Cytogenetic location: 8q11.21.
Variant type: single nucleotide variant.
Coding change: c.4269A>G on transcript NM_006904.7 (MANE Select); coding-DNA position 4269, A replaced by G.
Protein change: p.Ile1423Met; replaces isoleucine 1423 with methionine.
Molecular consequence: missense variant.
Genome position (GRCh38, 1-based): chr8:47,889,025, T>C on the plus strand (A>G on the coding strand, the complement: PRKDC is on the minus strand). VCF-style: chr8-47889025-T-C. GRCh37 (hg19) VCF-style: chr8-48801586-T-C.
Other names: c.4269A>G, p.Ile1423Met (NM_001081640.2); short protein forms I1423M.
Identifiers: ClinVar variation 1739219 (VCV001739219.2), dbSNP rs369450085, ClinGen allele CA4740968.

ClinVar aggregate classification (germline): Uncertain significance (1 of 4 stars; one submission).

Allele frequency attached by ClinVar (database versions not stated): ExAC 0.00001; ESP Exome Variant Server 0.00008.

Submission:

Ambry Genetics
Classification: Uncertain significance. Last evaluated: 2021-07-20. Review status: criteria provided, single submitter. Criteria: Ambry Variant Classification Scheme 2023. Collection method: clinical testing. Allele origin: germline.
Comment: The p.I1423M variant (also known as c.4269A>G), located in coding exon 33 of the PRKDC gene, results from an A to G substitution at nucleotide position 4269. The isoleucine at codon 1423 is replaced by methionine, an amino acid with highly similar properties. This amino acid position is conserved. In addition, this alteration is predicted to be tolerated by in silico analysis. Since supporting evidence is limited at this time, the clinical significance of this alteration remains unclear.